The following is an entry in ClinVar:

NM_001372.4(DNAH9):c.7988C>G (p.Ala2663Gly)

Gene: DNAH9 (dynein axonemal heavy chain 9; plus strand). Cytogenetic location: 17p12.
Variant type: single nucleotide variant.
Coding change: c.7988C>G on transcript NM_001372.4 (MANE Select); coding-DNA position 7988, C replaced by G.
Protein change: p.Ala2663Gly; replaces alanine 2663 with glycine.
Molecular consequence: missense variant.
Genome position (GRCh38, 1-based): chr17:11,784,466, C>G. VCF-style: chr17-11784466-C-G. GRCh37 (hg19) VCF-style: chr17-11687783-C-G.
Other names: short protein forms A2663G.
Identifiers: ClinVar variation 3691078 (VCV003691078.2).

ClinVar aggregate classification (germline): Uncertain significance (1 of 4 stars; one submission).

gnomAD v4.1: 1 of 1,614,226 alleles (0.000062%); highest among the groups gnomAD compares: Non-Finnish European, 0.000085%; no homozygotes.

Submission:

Labcorp Genetics (formerly Invitae), Labcorp
Classification: Uncertain significance. Last evaluated: 2024-06-13. Review status: criteria provided, single submitter. Criteria: Invitae Variant Classification Sherloc (09022015). Collection method: clinical testing. Allele origin: germline.
Comment: This sequence change replaces alanine, which is neutral and non-polar, with glycine, which is neutral and non-polar, at codon 2663 of the DNAH9 protein (p.Ala2663Gly). This variant is not present in population databases (gnomAD no frequency). This variant has not been reported in the literature in individuals affected with DNAH9-related conditions. Advanced modeling of protein sequence and biophysical properties (such as structural, functional, and spatial information, amino acid conservation, physicochemical variation, residue mobility, and thermodynamic stability) performed at Invitae indicates that this missense variant is expected to disrupt DNAH9 protein function with a positive predictive value of 80%. In summary, the available evidence is currently insufficient to determine the role of this variant in disease. Therefore, it has been classified as a Variant of Uncertain Significance.